The following is an entry in ClinVar:

NM_206933.4(USH2A):c.698del (p.Asp233fs)

Gene: USH2A (usherin; minus strand). Cytogenetic location: 1q41.
Variant type: Deletion.
Coding change: c.698del on transcript NM_206933.4 (MANE Select); coding-DNA position 698, one base deleted (A; older notation c.698delA).
Protein change: p.Asp233fs; shifts the reading frame from aspartic acid 233.
Molecular consequence: frameshift variant.
Genome position (GRCh38, 1-based): chr1:216,365,039, T deleted on the plus strand (A on the coding strand, the reverse complement: USH2A is on the minus strand). VCF-style (leftmost placement, unchanged base first): chr1-216365038-AT-A. GRCh37 (hg19) VCF-style: chr1-216538380-AT-A.
Other names: c.698del, p.Asp233fs (NM_007123.6); short protein forms D233fs.
Identifiers: ClinVar variation 2501023 (VCV002501023.4), dbSNP rs2527531520, ClinGen allele CA2580611550.
Genomic context (GRCh38, chr1:216,365,038, plus strand): 5'-AGTACCAGATGCAAAATCTGTAATTGAACCACTTAGAGTTCTTGCATTGAAAGGTGTATG[AT>A]CCTTCTCCACGCCATTGATAAAGAAGCTGATTTTTGTCTGATGCACCTGTAAGAAATTAC-3'

ClinVar aggregate classification (germline): Pathogenic/Likely pathogenic. Review status: criteria provided, multiple submitters, no conflicts (2 of 4 stars). 2 submissions from 2 submitters: Pathogenic (1); Likely pathogenic (1). Last evaluated 2025-07-29.

Conditions:
Usher syndrome. Also called: Usher Syndromes; Usher's syndrome. Identifiers: Orphanet 886, MedGen CN469326, MeSH D052245, MONDO:0019501. Disease mechanism: loss of function.

Submissions (2):

Labcorp Genetics (formerly Invitae), Labcorp
Classification: Pathogenic. Last evaluated: 2025-07-29. Review status: criteria provided, single submitter. Criteria: Invitae Variant Classification Sherloc (09022015). Collection method: clinical testing. Allele origin: germline.
Comment: This sequence change creates a premature translational stop signal (p.Asp233Valfs*10) in the USH2A gene. It is expected to result in an absent or disrupted protein product. Loss-of-function variants in USH2A are known to be pathogenic (PMID: 10729113, 10909849, 20507924, 25649381). This variant is not present in population databases (gnomAD no frequency). This variant has not been reported in the literature in individuals affected with USH2A-related conditions. ClinVar contains an entry for this variant (Variation ID: 2501023). For these reasons, this variant has been classified as Pathogenic.

Women's Health and Genetics/Laboratory Corporation of America, LabCorp
Classification: Likely pathogenic for Usher syndrome. Last evaluated: 2023-03-23. Review status: criteria provided, single submitter. Criteria: LabCorp Variant Classification Summary - May 2015. Collection method: clinical testing. Allele origin: germline.
Comment: Variant summary: USH2A c.698delA (p.Asp233ValfsX10) results in a premature termination codon, predicted to cause a truncation of the encoded protein or absence of the protein due to nonsense mediated decay, which are commonly known mechanisms for disease. Truncations downstream of this position have been classified as pathogenic by our laboratory. The variant was absent in 250960 control chromosomes. To our knowledge, no occurrence of c.698delA in individuals affected with Usher Syndrome and no experimental evidence demonstrating its impact on protein function have been reported. No submitters have provided clinical-significance assessments for this variant to ClinVar after 2014. Based on the evidence outlined above, the variant was classified as likely pathogenic.

Literature cited by the submitters: PubMed 10729113 (cited by Labcorp Genetics (formerly Invitae), Labcorp); PubMed 10909849 (cited by Labcorp Genetics (formerly Invitae), Labcorp); PubMed 20507924 (cited by Labcorp Genetics (formerly Invitae), Labcorp); PubMed 25649381 (cited by Labcorp Genetics (formerly Invitae), Labcorp).